The following is an entry in ClinVar:

ClinVar aggregate classification (germline): Benign/Likely benign. Review status: criteria provided, multiple submitters, no conflicts (2 of 4 stars). 11 submissions from 11 submitters: Benign (4); Likely benign (4). 3 of the submissions do not count toward it. Last evaluated 2026-01-28.

Conditions:
CP-related disorder. Also called: CP-related condition.
Deficiency of ferroxidase (ACEP). Also called: NEURODEGENERATION WITH BRAIN IRON ACCUMULATION 10; Ceruloplasmin deficiency; Familial apoceruloplasmin deficiency; Hereditary ceruloplasmin deficiency; Deficiency of ceruloplasmin; Aceruloplasminemia. Identifiers: Orphanet 48818, MedGen C0878682, MONDO:0011426, OMIM 604290, HP:0025498.

Allele frequency attached by ClinVar (database versions not stated): ExAC 0.00708; gnomAD exomes 0.00731 and 0.00969; gnomAD 0.01161 and 0.01239; 1000 Genomes Project 0.01218; TOPMed 0.01243; ESP Exome Variant Server 0.01292; 1000 Genomes Project 30x 0.01390.
gnomAD v4.1: 15,971 of 1,611,260 alleles (0.99%); highest among the groups gnomAD compares: African/African-American, 1.9%; 104 homozygotes.

Submissions (11):

Labcorp Genetics (formerly Invitae), Labcorp
Classification: Benign for Deficiency of ferroxidase. Last evaluated: 2026-01-28. Review status: criteria provided, single submitter. Criteria: Invitae Variant Classification Sherloc (09022015). Collection method: clinical testing. Allele origin: germline.

Mayo Clinic Laboratories, Mayo Clinic
Classification: Benign. Last evaluated: 2023-03-09. Review status: criteria provided, single submitter. Criteria: ACMG Guidelines, 2015. Collection method: clinical testing. Allele origin: germline. Observed: 23 variant alleles.
Comment: BS1, BS2

Fulgent Genetics
Classification: Likely benign for Deficiency of ferroxidase. Last evaluated: 2022-01-04. Review status: criteria provided, single submitter. Criteria: ACMG Guidelines, 2015. Collection method: clinical testing. Allele origin: unknown.

Women's Health and Genetics/Laboratory Corporation of America, LabCorp
Classification: Likely benign. Last evaluated: 2021-12-10. Review status: criteria provided, single submitter. Criteria: LabCorp Variant Classification Summary - May 2015. Collection method: clinical testing. Allele origin: germline.

GeneDx
Classification: Benign. Last evaluated: 2020-03-30. Review status: criteria provided, single submitter. Criteria: GeneDx Variant Classification Process June 2021. Collection method: clinical testing. Allele origin: germline. Affected: yes.
Comment: This variant is associated with the following publications: (PMID: 15557511, 25758665, 26000822, 16150804)

Illumina Laboratory Services, Illumina
Classification: Likely benign for Deficiency of ferroxidase. Last evaluated: 2017-04-27. Review status: criteria provided, single submitter. Criteria: ICSL Variant Classification Criteria 13 December 2019. Collection method: clinical testing. Allele origin: germline.
Comment: This variant was observed as part of a predisposition screen in an ostensibly healthy population. A literature search was performed for the gene, cDNA change, and amino acid change (where applicable). No publications were found based on this search. Allele frequency data from public databases allowed determination this variant is unlikely to cause disease. Therefore, this variant is classified as likely benign.

Genetic Services Laboratory, University of Chicago
Classification: Benign for AllHighlyPenetrant. Last evaluated: 2013-11-04. Review status: criteria provided, single submitter. Criteria: ACMG Guidelines, 2007. Collection method: clinical testing. Allele origin: germline. Inheritance: Autosomal recessive inheritance.

Breakthrough Genomics
Classification: Likely benign. Review status: criteria provided, single submitter. Criteria: ACMG Guidelines, 2015. Collection method: not provided. Allele origin: germline. Inheritance: Autosomal recessive inheritance. Affected: yes.

PreventionGenetics, part of Exact Sciences
Classification: Benign for CP-related condition. Last evaluated: 2019-03-25. Review status: no assertion criteria provided. Collection method: clinical testing. Allele origin: germline. Not counted in ClinVar's aggregate classification.
Comment: This variant is classified as benign based on ACMG/AMP sequence variant interpretation guidelines (Richards et al. 2015 PMID: 25741868, with internal and published modifications).

Genome Diagnostics Laboratory, Amsterdam University Medical Center
Classification: Benign. Review status: no assertion criteria provided. Collection method: clinical testing. Allele origin: germline. Affected: yes. Study: VKGL Data-share Consensus. Not counted in ClinVar's aggregate classification.

Joint Genome Diagnostic Labs from Nijmegen and Maastricht, Radboudumc and MUMC+
Classification: Likely benign. Review status: no assertion criteria provided. Collection method: clinical testing. Allele origin: germline. Affected: yes. Study: VKGL Data-share Consensus. Not counted in ClinVar's aggregate classification.

Literature cited by the submitters: PubMed 15557511 (cited by Mayo Clinic Laboratories, Mayo Clinic); PubMed 16150804 (cited by Mayo Clinic Laboratories, Mayo Clinic).

NM_000096.4(CP):c.2378G>A (p.Arg793His)

Gene: CP (ceruloplasmin; minus strand). Cytogenetic location: 3q24.
Variant type: single nucleotide variant.
Coding change: c.2378G>A on transcript NM_000096.4 (MANE Select); coding-DNA position 2378, G replaced by A.
Protein change: p.Arg793His; replaces arginine 793 with histidine.
Molecular consequence: missense variant. On other transcripts: non-coding transcript variant (1).
Genome position (GRCh38, 1-based): chr3:149,183,513, C>T on the plus strand (G>A on the coding strand, the complement: CP is on the minus strand). VCF-style: chr3-149183513-C-T. GRCh37 (hg19) VCF-style: chr3-148901300-C-T.
Other names: p.Arg793His; short protein forms R793H.
Identifiers: ClinVar variation 128839 (VCV000128839.30), dbSNP rs115552500, ClinGen allele CA152492.